The following is an entry in ClinVar:

ClinVar aggregate classification (germline): Uncertain significance (1 of 4 stars; one submission).

Conditions:
Nemaline myopathy 2 (NEM2). Also called: Nemaline myopathy 2, autosomal recessive. Identifiers: MedGen C1850569, MONDO:0009725, OMIM 256030.

Allele frequency attached by ClinVar (database versions not stated): gnomAD exomes below 0.00001 and 0.00001; TOPMed below 0.00001; ExAC 0.00001.
gnomAD v4.1: 3 of 1,613,630 alleles (0.00019%); highest among the groups gnomAD compares: Non-Finnish European, 0.00025%; no homozygotes.

Submission:

Labcorp Genetics (formerly Invitae), Labcorp
Classification: Uncertain significance for Nemaline myopathy 2. Last evaluated: 2022-08-15. Review status: criteria provided, single submitter. Criteria: Invitae Variant Classification Sherloc (09022015). Collection method: clinical testing. Allele origin: germline.
Comment: ClinVar contains an entry for this variant (Variation ID: 1371571). This variant has not been reported in the literature in individuals affected with NEB-related conditions. This variant is present in population databases (rs755394940, gnomAD 0.0009%). This sequence change replaces isoleucine, which is neutral and non-polar, with valine, which is neutral and non-polar, at codon 2132 of the NEB protein (p.Ile2132Val). Algorithms developed to predict the effect of missense changes on protein structure and function output the following: SIFT: "Deleterious"; PolyPhen-2: "Not Available"; Align-GVGD: "Class C0". The valine amino acid residue is found in multiple mammalian species, which suggests that this missense change does not adversely affect protein function. In summary, the available evidence is currently insufficient to determine the role of this variant in disease. Therefore, it has been classified as a Variant of Uncertain Significance.

NM_001164508.2(NEB):c.6394A>G (p.Ile2132Val)

Gene: NEB (nebulin; minus strand). Cytogenetic location: 2q23.3.
Variant type: single nucleotide variant.
Coding change: c.6394A>G on transcript NM_001164508.2 (MANE Select); coding-DNA position 6394, A replaced by G.
Protein change: p.Ile2132Val; replaces isoleucine 2132 with valine.
Molecular consequence: missense variant.
Genome position (GRCh38, 1-based): chr2:151,656,254, T>C on the plus strand (A>G on the coding strand, the complement: NEB is on the minus strand). VCF-style: chr2-151656254-T-C. GRCh37 (hg19) VCF-style: chr2-152512768-T-C.
Other names: c.6394A>G, p.Ile2132Val (NM_001164507.2, NM_001271208.2, NM_004543.5); short protein forms I2132V.
Identifiers: ClinVar variation 1371571 (VCV001371571.8), dbSNP rs755394940, ClinGen allele CA1910108.